The following is an entry in ClinVar:

ClinVar aggregate classification (germline): Conflicting classifications of pathogenicity. Review status: criteria provided, conflicting classifications (1 of 4 stars). 2 submissions from 2 submitters: Uncertain significance (1); Benign (1). Last evaluated 2024-11-16.

Conditions:
Cardiovascular phenotype. Identifiers: MedGen CN230736.

Allele frequency attached by ClinVar (database versions not stated): TOPMed 0.00002; gnomAD 0.00004 and 0.00006.
gnomAD v4.1: 23 of 1,549,864 alleles (0.0015%); highest among the groups gnomAD compares: East Asian, 0.022%; no homozygotes.

Submissions (2):

Ambry Genetics
Classification: Benign for Cardiovascular phenotype. Last evaluated: 2024-11-16. Review status: criteria provided, single submitter. Criteria: Ambry Variant Classification Scheme 2023. Collection method: clinical testing. Allele origin: germline.

Labcorp Genetics (formerly Invitae), Labcorp
Classification: Uncertain significance. Last evaluated: 2022-01-27. Review status: criteria provided, single submitter. Criteria: Invitae Variant Classification Sherloc (09022015). Collection method: clinical testing. Allele origin: germline.
Comment: This sequence change replaces glutamic acid, which is acidic and polar, with lysine, which is basic and polar, at codon 2908 of the ZNF469 protein (p.Glu2908Lys). This variant is present in population databases (no rsID available, gnomAD 0.05%). This variant has not been reported in the literature in individuals affected with ZNF469-related conditions. ClinVar contains an entry for this variant (Variation ID: 320996). Algorithms developed to predict the effect of missense changes on protein structure and function (SIFT, PolyPhen-2, Align-GVGD) all suggest that this variant is likely to be tolerated. In summary, the available evidence is currently insufficient to determine the role of this variant in disease. Therefore, it has been classified as a Variant of Uncertain Significance.

NM_001367624.2(ZNF469):c.8806G>A (p.Glu2936Lys)

Gene: ZNF469 (zinc finger protein 469; plus strand). Cytogenetic location: 16q24.2.
Variant type: single nucleotide variant.
Coding change: c.8806G>A on transcript NM_001367624.2 (MANE Select); coding-DNA position 8806, G replaced by A.
Protein change: p.Glu2936Lys; replaces glutamic acid 2936 with lysine.
Molecular consequence: missense variant.
Genome position (GRCh38, 1-based): chr16:88,436,276, G>A. VCF-style: chr16-88436276-G-A. GRCh37 (hg19) VCF-style: chr16-88502684-G-A.
Other names: short protein forms E2936K.
Identifiers: ClinVar variation 320996 (VCV000320996.9), dbSNP rs762301873, ClinGen allele CA10649202.